The following is an entry in ClinVar:

NM_002227.4(JAK1):c.7-2A>T

Gene: JAK1 (Janus kinase 1; minus strand). Cytogenetic location: 1p31.3.
Variant type: single nucleotide variant.
Coding change: c.7-2A>T on transcript NM_002227.4 (MANE Select); the canonical splice acceptor site of the intron before coding-DNA position 7, A replaced by T.
Molecular consequence: splice acceptor variant.
Genome position (GRCh38, 1-based): chr1:64,883,477, T>A on the plus strand (A>T on the coding strand, the complement: JAK1 is on the minus strand). VCF-style: chr1-64883477-T-A. GRCh37 (hg19) VCF-style: chr1-65349160-T-A.
Other names: c.7-2A>T (NM_001321852.2, NM_001321854.2, NM_001321853.2 and 4 more transcripts).
Identifiers: ClinVar variation 3639774 (VCV003639774.2).

ClinVar aggregate classification (germline): Uncertain significance (1 of 4 stars; one submission).

gnomAD v4.1: 1 of 1,612,672 alleles (0.000062%); highest among the groups gnomAD compares: Non-Finnish European, 0.000085%; no homozygotes.

Submission:

Labcorp Genetics (formerly Invitae), Labcorp
Classification: Uncertain significance. Last evaluated: 2024-09-23. Review status: criteria provided, single submitter. Criteria: Invitae Variant Classification Sherloc (09022015). Collection method: clinical testing. Allele origin: germline.
Comment: This sequence change affects an acceptor splice site in intron 2 of the JAK1 gene. It is expected to disrupt RNA splicing. Variants that disrupt the donor or acceptor splice site typically lead to a loss of protein function (PMID: 16199547), however the current clinical and genetic evidence is not sufficient to establish whether loss-of-function variants in JAK1 cause disease. This variant is present in population databases (rs777807845, gnomAD 0.0009%). This variant has not been reported in the literature in individuals affected with JAK1-related conditions. Algorithms developed to predict the effect of sequence changes on RNA splicing suggest that this variant may disrupt the consensus splice site. In summary, the available evidence is currently insufficient to determine the role of this variant in disease. Therefore, it has been classified as a Variant of Uncertain Significance.

Literature cited by the submitters: PubMed 16199547.